The following is an entry in ClinVar:

ClinVar aggregate classification (germline): Pathogenic (1 of 4 stars; one submission).

gnomAD v4.1: 2 of 1,610,604 alleles (0.00012%); highest among the groups gnomAD compares: Non-Finnish European, 0.000085%; no homozygotes.

Submission:

Labcorp Genetics (formerly Invitae), Labcorp
Classification: Pathogenic. Last evaluated: 2022-06-20. Review status: criteria provided, single submitter. Criteria: Invitae Variant Classification Sherloc (09022015). Collection method: clinical testing. Allele origin: germline.
Comment: This variant is not present in population databases (gnomAD no frequency). For these reasons, this variant has been classified as Pathogenic. This variant has not been reported in the literature in individuals affected with COL9A3-related conditions. This sequence change creates a premature translational stop signal (p.Glu329*) in the COL9A3 gene. It is expected to result in an absent or disrupted protein product. Loss-of-function variants in COL9A3 are known to be pathogenic (PMID: 24273071, 31090205).

Literature cited by the submitters: PubMed 24273071; PubMed 31090205.

NM_001853.4(COL9A3):c.985G>T (p.Glu329Ter)

Gene: COL9A3 (collagen type IX alpha 3 chain; plus strand). Cytogenetic location: 20q13.33.
Variant type: single nucleotide variant.
Coding change: c.985G>T on transcript NM_001853.4 (MANE Select); coding-DNA position 985, G replaced by T.
Protein change: p.Glu329Ter; replaces glutamic acid 329 with a stop codon.
Molecular consequence: nonsense.
Genome position (GRCh38, 1-based): chr20:62,828,953, G>T. VCF-style: chr20-62828953-G-T. GRCh37 (hg19) VCF-style: chr20-61460305-G-T.
Other names: short protein forms E329*.
Identifiers: ClinVar variation 2008753 (VCV002008753.4), dbSNP rs2147214451, ClinGen allele CA409593192.